The following is an entry in ClinVar:

NM_001987.5(ETV6):c.1298G>A (p.Arg433His)

Gene: ETV6 (ETS variant transcription factor 6; plus strand). Cytogenetic location: 12p13.2.
Variant type: single nucleotide variant.
Coding change: c.1298G>A on transcript NM_001987.5 (MANE Select); coding-DNA position 1298, G replaced by A.
Protein change: p.Arg433His; replaces arginine 433 with histidine.
Molecular consequence: missense variant.
Genome position (GRCh38, 1-based): chr12:11,890,985, G>A. VCF-style: chr12-11890985-G-A. GRCh37 (hg19) VCF-style: chr12-12043919-G-A.
Other names: c.1034G>A, p.Arg345His (NM_001413915.1); c.*37G>A (NM_001413917.1); c.1295G>A, p.Arg432His (NM_001413913.1); c.1271G>A, p.Arg424His (NM_001413914.1); short protein forms R432H, R424H, R433H, R345H.
Identifiers: ClinVar variation 2137300 (VCV002137300.5), dbSNP rs1398054657, ClinGen allele CA384045152.

ClinVar aggregate classification (germline): Uncertain significance. Review status: criteria provided, multiple submitters, no conflicts (2 of 4 stars). 2 submissions from 2 submitters: Uncertain significance (2). Last evaluated 2024-12-14.

Conditions:
Inborn genetic diseases. Identifiers: MedGen C0950123, MeSH D030342.

Allele frequency attached by ClinVar (database versions not stated): gnomAD exomes below 0.00001; gnomAD 0.00001; TOPMed 0.00001.
gnomAD v4.1: 4 of 1,613,756 alleles (0.00025%); highest among the groups gnomAD compares: Admixed American, 0.0017%; no homozygotes.

Submissions (2):

Ambry Genetics
Classification: Uncertain significance for Inborn genetic diseases. Last evaluated: 2024-12-14. Review status: criteria provided, single submitter. Criteria: Ambry Variant Classification Scheme 2023. Collection method: clinical testing. Allele origin: germline.
Comment: The p.R433H variant (also known as c.1298G>A), located in coding exon 8 of the ETV6 gene, results from a G to A substitution at nucleotide position 1298. The arginine at codon 433 is replaced by histidine, an amino acid with highly similar properties. This alteration was identified in individuals diagnosed with acute lymphoblastic leukemia (ALL) (Moriyama T et al. Lancet Oncol, 2015 Dec;16:1659-66; Nishii R et al. Blood, 2021 Jan;137:364-373). This amino acid position is highly conserved in available vertebrate species. In addition, the in silico prediction for this alteration is inconclusive. Based on the available evidence, the clinical significance of this variant remains unclear.

Labcorp Genetics (formerly Invitae), Labcorp
Classification: Uncertain significance. Last evaluated: 2022-05-18. Review status: criteria provided, single submitter. Criteria: Invitae Variant Classification Sherloc (09022015). Collection method: clinical testing. Allele origin: germline.
Comment: This sequence change replaces arginine, which is basic and polar, with histidine, which is basic and polar, at codon 433 of the ETV6 protein (p.Arg433His). In summary, the available evidence is currently insufficient to determine the role of this variant in disease. Therefore, it has been classified as a Variant of Uncertain Significance. Algorithms developed to predict the effect of missense changes on protein structure and function (SIFT, PolyPhen-2, Align-GVGD) all suggest that this variant is likely to be tolerated. This missense change has been observed in individual(s) with acute lymphoblastic leukemia (PMID: 26522332). This variant is present in population databases (no rsID available, gnomAD 0.003%).

Literature cited by the submitters: PubMed 26522332 (cited by Ambry Genetics and Labcorp Genetics (formerly Invitae), Labcorp); PubMed 32693409 (cited by Ambry Genetics).